The following is an entry in ClinVar:

ClinVar aggregate classification (germline): Uncertain significance (1 of 4 stars; one submission).

Conditions:
Combined oxidative phosphorylation defect type 17. Also called: Combined oxidative phosphorylation deficiency 17. Identifiers: Orphanet 369913, MedGen C3809526, MONDO:0014190, OMIM 615440.

Allele frequency attached by ClinVar (database versions not stated): ExAC 0.00001; gnomAD 0.00001; gnomAD exomes 0.00001; TOPMed 0.00001.
gnomAD v4.1: 17 of 1,612,376 alleles (0.0011%); highest among the groups gnomAD compares: East Asian, 0.0022%; no homozygotes.

Submission:

Labcorp Genetics (formerly Invitae), Labcorp
Classification: Uncertain significance for Combined oxidative phosphorylation defect type 17. Last evaluated: 2022-04-16. Review status: criteria provided, single submitter. Criteria: Invitae Variant Classification Sherloc (09022015). Collection method: clinical testing. Allele origin: germline.
Comment: This sequence change replaces alanine, which is neutral and non-polar, with valine, which is neutral and non-polar, at codon 72 of the ELAC2 protein (p.Ala72Val). This variant is present in population databases (rs756087695, gnomAD 0.001%). This variant has not been reported in the literature in individuals affected with ELAC2-related conditions. Algorithms developed to predict the effect of missense changes on protein structure and function are either unavailable or do not agree on the potential impact of this missense change (SIFT: "Deleterious"; PolyPhen-2: "Probably Damaging"; Align-GVGD: "Class C0"). In summary, the available evidence is currently insufficient to determine the role of this variant in disease. Therefore, it has been classified as a Variant of Uncertain Significance.

NM_018127.7(ELAC2):c.215C>T (p.Ala72Val)

Gene: ELAC2 (elaC ribonuclease Z 2; minus strand). Cytogenetic location: 17p12.
Variant type: single nucleotide variant.
Coding change: c.215C>T on transcript NM_018127.7 (MANE Select); coding-DNA position 215, C replaced by T.
Protein change: p.Ala72Val; replaces alanine 72 with valine.
Molecular consequence: missense variant.
Genome position (GRCh38, 1-based): chr17:13,017,733, G>A on the plus strand (C>T on the coding strand, the complement: ELAC2 is on the minus strand). VCF-style: chr17-13017733-G-A. GRCh37 (hg19) VCF-style: chr17-12921050-G-A.
Other names: c.215C>T, p.Ala72Val (NM_001165962.2, NM_173717.2); short protein forms A72V.
Identifiers: ClinVar variation 2037837 (VCV002037837.2), dbSNP rs756087695, ClinGen allele CA8401809.